The following is an entry in ClinVar:

NM_004984.4(KIF5A):c.977C>G (p.Thr326Ser)

Gene: KIF5A (kinesin family member 5A; plus strand). Cytogenetic location: 12q13.3.
Variant type: single nucleotide variant.
Coding change: c.977C>G on transcript NM_004984.4 (MANE Select); coding-DNA position 977, C replaced by G.
Protein change: p.Thr326Ser; replaces threonine 326 with serine.
Molecular consequence: missense variant.
Genome position (GRCh38, 1-based): chr12:57,569,543, C>G. VCF-style: chr12-57569543-C-G. GRCh37 (hg19) VCF-style: chr12-57963326-C-G.
Other names: c.710C>G, p.Thr237Ser (NM_001354705.2); short protein forms T237S, T326S.
Identifiers: ClinVar variation 2702487 (VCV002702487.3), dbSNP rs2540500385, ClinGen allele CA385502206.

ClinVar aggregate classification (germline): Uncertain significance (1 of 4 stars; one submission).

Conditions:
Spastic paraplegia. Identifiers: MedGen C0037772, HP:0001258.

Submission:

Labcorp Genetics (formerly Invitae), Labcorp
Classification: Uncertain significance for Spastic paraplegia. Last evaluated: 2023-06-09. Review status: criteria provided, single submitter. Criteria: Invitae Variant Classification Sherloc (09022015). Collection method: clinical testing. Allele origin: germline.
Comment: Advanced modeling of protein sequence and biophysical properties (such as structural, functional, and spatial information, amino acid conservation, physicochemical variation, residue mobility, and thermodynamic stability) has been performed at Invitae for this missense variant, however the output from this modeling did not meet the statistical confidence thresholds required to predict the impact of this variant on KIF5A protein function. In summary, the available evidence is currently insufficient to determine the role of this variant in disease. Therefore, it has been classified as a Variant of Uncertain Significance. This variant has not been reported in the literature in individuals affected with KIF5A-related conditions. This sequence change replaces threonine, which is neutral and polar, with serine, which is neutral and polar, at codon 326 of the KIF5A protein (p.Thr326Ser). This variant is not present in population databases (gnomAD no frequency).